The following is an entry in ClinVar:

NM_020366.4(RPGRIP1):c.3602A>G (p.Asp1201Gly)

Gene: RPGRIP1 (RPGR interacting protein 1; plus strand). Cytogenetic location: 14q11.2.
Variant type: single nucleotide variant.
Coding change: c.3602A>G on transcript NM_020366.4 (MANE Select); coding-DNA position 3602, A replaced by G.
Protein change: p.Asp1201Gly; replaces aspartic acid 1201 with glycine.
Molecular consequence: missense variant.
Genome position (GRCh38, 1-based): chr14:21,345,182, A>G. VCF-style: chr14-21345182-A-G. GRCh37 (hg19) VCF-style: chr14-21813341-A-G.
Other names: c.1580A>G, p.Asp527Gly (NM_001377523.1, NM_001377950.1); c.2528A>G, p.Asp843Gly (NM_001377948.1); c.1688A>G, p.Asp563Gly (NM_001377949.1); c.1085A>G, p.Asp362Gly (NM_001377951.1); short protein forms D1201G, D362G, D527G, D563G, D843G.
Identifiers: ClinVar variation 1020858 (VCV001020858.6), dbSNP rs773540240, ClinGen allele CA388857578.

ClinVar aggregate classification (germline): Uncertain significance (1 of 4 stars; one submission).

Conditions:
Leber congenital amaurosis 6 (LCA6). Identifiers: Orphanet 65, MedGen C1854260, MONDO:0013446, OMIM 613826.
Cone-rod dystrophy 13 (CORD13). Identifiers: Orphanet 1872, MedGen C2750720, MONDO:0011987, OMIM 608194.

Allele frequency attached by ClinVar (database versions not stated): TOPMed below 0.00001.
gnomAD v4.1: 9 of 1,612,808 alleles (0.00056%); highest among the groups gnomAD compares: Non-Finnish European, 0.00076%; no homozygotes.

Submission:

Labcorp Genetics (formerly Invitae), Labcorp
Classification: Uncertain significance for Leber congenital amaurosis 6; Cone-rod dystrophy 13. Last evaluated: 2021-09-19. Review status: criteria provided, single submitter. Criteria: Invitae Variant Classification Sherloc (09022015). Collection method: clinical testing. Allele origin: germline.
Comment: This sequence change replaces aspartic acid with glycine at codon 1201 of the RPGRIP1 protein (p.Asp1201Gly). The aspartic acid residue is moderately conserved and there is a moderate physicochemical difference between aspartic acid and glycine. In summary, the available evidence is currently insufficient to determine the role of this variant in disease. Therefore, it has been classified as a Variant of Uncertain Significance. Algorithms developed to predict the effect of missense changes on protein structure and function output the following: SIFT: "Tolerated"; PolyPhen-2: "Benign"; Align-GVGD: "Class C0". The glycine amino acid residue is found in multiple mammalian species, which suggests that this missense change does not adversely affect protein function. This variant has not been reported in the literature in individuals affected with RPGRIP1-related conditions. This variant is not present in population databases (ExAC no frequency).